The following is an entry in ClinVar:

NM_182746.3(MCM4):c.155C>T (p.Pro52Leu)

Gene: MCM4 (minichromosome maintenance complex component 4; plus strand). Cytogenetic location: 8q11.21.
Variant type: single nucleotide variant.
Coding change: c.155C>T on transcript NM_182746.3 (MANE Select); coding-DNA position 155, C replaced by T.
Protein change: p.Pro52Leu; replaces proline 52 with leucine.
Molecular consequence: missense variant.
Genome position (GRCh38, 1-based): chr8:47,961,600, C>T. VCF-style: chr8-47961600-C-T. GRCh37 (hg19) VCF-style: chr8-48874160-C-T.
Other names: c.155C>T, p.Pro52Leu (NM_005914.4); short protein forms P52L.
Identifiers: ClinVar variation 2048769 (VCV002048769.4), dbSNP rs2551883226, ClinGen allele CA371144884.

ClinVar aggregate classification (germline): Uncertain significance (1 of 4 stars; one submission).

Submission:

Labcorp Genetics (formerly Invitae), Labcorp
Classification: Uncertain significance. Last evaluated: 2021-12-19. Review status: criteria provided, single submitter. Criteria: Invitae Variant Classification Sherloc (09022015). Collection method: clinical testing. Allele origin: germline.
Comment: In summary, the available evidence is currently insufficient to determine the role of this variant in disease. Therefore, it has been classified as a Variant of Uncertain Significance. Algorithms developed to predict the effect of missense changes on protein structure and function are either unavailable or do not agree on the potential impact of this missense change (SIFT: "Tolerated"; PolyPhen-2: "Possibly Damaging"; Align-GVGD: "Class C0"). This variant has not been reported in the literature in individuals affected with MCM4-related conditions. This variant is not present in population databases (gnomAD no frequency). This sequence change replaces proline, which is neutral and non-polar, with leucine, which is neutral and non-polar, at codon 52 of the MCM4 protein (p.Pro52Leu).